The following is an entry in ClinVar:

ClinVar aggregate classification (germline): Pathogenic. Review status: reviewed by expert panel (3 of 4 stars). 7 submissions from 6 submitters: Pathogenic (1). 6 of the submissions do not count toward it. Last evaluated 2016-10-18.

Conditions:
Hereditary cancer-predisposing syndrome. Also called: Neoplastic Syndromes, Hereditary; Hereditary neoplastic syndrome; Hereditary Cancer Syndrome; Tumor predisposition. Identifiers: Orphanet 140162, MedGen C0027672, MeSH D009386, MONDO:0015356.
BRCA2-related disorder. Also called: BRCA2-related condition; BRCA2-related disorders. Identifiers: MedGen CN239275.
Hereditary breast ovarian cancer syndrome. Also called: Breast and ovarian cancer; BRCA1- and BRCA2-Associated Hereditary Breast and Ovarian Cancer; Hereditary breast and ovarian cancer syndrome (HBOC); Hereditary breast and/or ovarian cancer syndrome; Hereditary breast and ovarian cancer; Hereditary breast and ovarian cancer syndrome. Identifiers: Orphanet 145, MedGen C0677776, MeSH D061325, MONDO:0003582. Disease mechanism: loss of function.
Breast-ovarian cancer, familial, susceptibility to, 2 (BROVCA2). Also called: BRCA2 Hereditary Breast and Ovarian Cancer. Identifiers: Orphanet 145, MedGen C2675520, MONDO:0012933, OMIM 612555. Disease mechanism: loss of function.

Submissions (7):

Evidence-based Network for the Interpretation of Germline Mutant Alleles (ENIGMA)
Classification: Pathogenic for Breast-ovarian cancer, familial, susceptibility to, 2. Last evaluated: 2016-10-18. Review status: reviewed by expert panel. Criteria: ENIGMA BRCA1/2 Classification Criteria (2015). Collection method: curation. Allele origin: germline.
Comment: Variant allele predicted to encode a truncated non-functional protein.

Dasa
Classification: Pathogenic for Breast-ovarian cancer, familial, susceptibility to, 2. Last evaluated: 2025-11-20. Review status: criteria provided, single submitter. Criteria: DASA Assertion Criteria. Collection method: clinical testing. Allele origin: germline. Not counted in ClinVar's aggregate classification.
Comment: NM_000059.4(BRCA2):c.4808del (p.Asn1603Thrfs*14) is a frameshift variant in BRCA2 predicted to alter the reading frame and introduce a premature termination codon and is predicted to result in an absent or altered protein product. Loss of function is an established disease mechanism for BRCA2 (PMID: 16199546; PMID: 17063271; PMID: 25632310). The affected residue or protein region has prior evidence supporting clinical relevance. Also, this variant is absent from population databases. Based on the currently available evidence, this variant is classified as pathogenic.

Labcorp Genetics (formerly Invitae), Labcorp
Classification: Pathogenic for Hereditary breast ovarian cancer syndrome. Last evaluated: 2022-10-31. Review status: criteria provided, single submitter. Criteria: Invitae Variant Classification Sherloc (09022015). Collection method: clinical testing. Allele origin: germline. Not counted in ClinVar's aggregate classification.
Comment: ClinVar contains an entry for this variant (Variation ID: 51718). This sequence change creates a premature translational stop signal (p.Asn1603Thrfs*14) in the BRCA2 gene. It is expected to result in an absent or disrupted protein product. Loss-of-function variants in BRCA2 are known to be pathogenic (PMID: 20104584). This variant is not present in population databases (gnomAD no frequency). This premature translational stop signal has been observed in individual(s) with hereditary breast and ovarian cancer (PMID: 16826315, 19377795, 24916970, 29446198). This variant is also known as c.5036delA. For these reasons, this variant has been classified as Pathogenic.

Dasa
Classification: Pathogenic for BRCA2-related disorder. Last evaluated: 2022-03-05. Review status: criteria provided, single submitter. Criteria: ACMG Guidelines, 2015. Collection method: clinical testing. Allele origin: germline. Affected: yes. Observed: 1 variant allele. Not counted in ClinVar's aggregate classification.
Comment: The c.4808del;p.(Asn1603Thrfs*14) is a null frameshift variant (NMD) in the BRCA2 gene and predicts alteration of the nonsense-mediate decay - NMD is present in a relevant exon to the transcript - PVS1. This sequence change has been observed in affected individual(s) and ClinVar contains an entry for this variant (ClinVar ID: 51718; PMID: 24916970; PMID: 29907814; PMID: 16826315) - PS4. This variant is not present in population databases (rs80359466- gnomAD; ABraOM no frequency) - PM2. In summary, the currently available evidence indicates that the variant is pathogenic.

Color Diagnostics, LLC DBA Color Health
Classification: Pathogenic for Hereditary cancer-predisposing syndrome. Last evaluated: 2020-01-15. Review status: criteria provided, single submitter. Criteria: ACMG Guidelines, 2015. Collection method: clinical testing. Allele origin: germline. Not counted in ClinVar's aggregate classification.
Comment: This variant deletes 1 nucleotide in exon 11 of the BRCA2 gene, creating a frameshift and premature translation stop signal. This variant is expected to result in an absent or non-functional protein product. This variant has not been identified in the general population by the Genome Aggregation Database (gnomAD). Loss of BRCA2 function is a known mechanism of disease. Based on the available evidence, this variant is classified as Pathogenic.

Ambry Genetics
Classification: Pathogenic for Hereditary cancer-predisposing syndrome. Last evaluated: 2019-08-30. Review status: criteria provided, single submitter. Criteria: Ambry Variant Classification Scheme 2023. Collection method: clinical testing. Allele origin: germline. Not counted in ClinVar's aggregate classification.
Comment: The c.4808delA pathogenic mutation, located in coding exon 10 of the BRCA2 gene, results from a deletion of one nucleotide at nucleotide position 4808, causing a translational frameshift with a predicted alternate stop codon (p.N1603Tfs*14). This alteration (designated as 5036delA) was identified in 1/612 Brazilian individuals with a family history of breast and/or ovarian cancer (Esteves VF et al. Braz. J. Med. Biol. Res., 2009 May;42:453-7) as well as in 3/649 Brazilian BRCA gene mutation carriers (Palmero EI et al. Sci Rep, 2018 Jun;8:9188). In addition, this alteration has been identified in 1/1050 Portuguese breast and/or ovarian cancer families (Peixoto A et al. Clin. Genet., 2015 Jul;88:41-8). Furthermore, this alteration was identified in a large, worldwide study of BRCA1/2 mutation positive families (Rebbeck TR et al. Hum. Mutat., 2018 05;39:593-620). In addition to the clinical data presented in the literature, this alteration is expected to result in loss of function by premature protein truncation or nonsense-mediated mRNA decay. As such, this alteration is interpreted as a disease-causing mutation.

Consortium of Investigators of Modifiers of BRCA1/2 (CIMBA), c/o University of Cambridge
Classification: Pathogenic for Breast-ovarian cancer, familial, susceptibility to, 2. Last evaluated: 2015-10-02. Review status: criteria provided, single submitter. Criteria: CIMBA Mutation Classification guidelines May 2016. Collection method: clinical testing. Allele origin: germline. Not counted in ClinVar's aggregate classification.

Literature cited by the submitters: PubMed 16199546 (cited by Dasa); PubMed 17063271 (cited by Dasa); PubMed 25632310 (cited by Dasa); PubMed 20104584 (cited by Labcorp Genetics (formerly Invitae), Labcorp); PubMed 16826315 (cited by Labcorp Genetics (formerly Invitae), Labcorp and Dasa); PubMed 19377795 (cited by Labcorp Genetics (formerly Invitae), Labcorp and Ambry Genetics); PubMed 24916970 (cited by 3 submitters); PubMed 29446198 (cited by Labcorp Genetics (formerly Invitae), Labcorp and Ambry Genetics); PubMed 29907814 (cited by Dasa and Ambry Genetics); PubMed 28918466 (cited by Ambry Genetics).

NM_000059.4(BRCA2):c.4808del (p.Asn1603fs)

Gene: BRCA2 (BRCA2 DNA repair associated; plus strand). Cytogenetic location: 13q13.1.
Variant type: Deletion.
Coding change: c.4808del on transcript NM_000059.4 (MANE Select); coding-DNA position 4808, one base deleted (A; older notation c.4808delA).
Protein change: p.Asn1603fs; shifts the reading frame from asparagine 1603.
Molecular consequence: frameshift variant.
Genome position (GRCh38, 1-based): chr13:32,339,163, A deleted; the last of 5 consecutive A bases (chr13:32,339,159-32,339,163); deleting any one gives the same sequence. VCF-style (leftmost placement, unchanged base first): chr13-32339158-TA-T. GRCh37 (hg19) VCF-style: chr13-32913295-TA-T.
Other names: 5032delA to 5036delA; c.4808delA (NM_000059.3).
Identifiers: ClinVar variation 51718 (VCV000051718.23), dbSNP rs80359466, ClinGen allele CA020858.